The following is an entry in ClinVar:

NM_000083.3(CLCN1):c.2154C>T (p.Asp718=)

Gene: CLCN1 (chloride voltage-gated channel 1; plus strand). Cytogenetic location: 7q34.
Variant type: single nucleotide variant.
Coding change: c.2154C>T on transcript NM_000083.3 (MANE Select); coding-DNA position 2154, C replaced by T.
Protein change: p.Asp718=; no amino-acid change (aspartic acid 718 retained).
Molecular consequence: synonymous variant. On other transcripts: non-coding transcript variant (1).
Genome position (GRCh38, 1-based): chr7:143,345,744, C>T. VCF-style: chr7-143345744-C-T. GRCh37 (hg19) VCF-style: chr7-143042837-C-T.
Other names: p.Asp718=.
Identifiers: ClinVar variation 359118 (VCV000359118.24), dbSNP rs2272251, ClinGen allele CA4537557.

ClinVar aggregate classification (germline): Benign/Likely benign. Review status: criteria provided, multiple submitters, no conflicts (2 of 4 stars). 10 submissions from 9 submitters: Benign (8); Likely benign (2). Last evaluated 2026-02-04.

Conditions:
Batten-Turner congenital myopathy. Also called: Myotonia congenita; Congenital myotonia. Identifiers: Orphanet 206973, MedGen C0027127, MONDO:0100468, OMIM 255300.
Congenital myotonia, autosomal dominant form (THD). Also called: THOMSEN DISEASE; Myotonia congenita autosomal dominant. Identifiers: Orphanet 614, MedGen C2936781, MONDO:0008055, OMIM 160800.
Congenital myotonia, autosomal recessive form. Also called: myotonia congenita, autosomal recessive; BECKER DISEASE; Becker Generalized Myotonia. Identifiers: Orphanet 614, MedGen C0751360, MONDO:0009715, OMIM 255700.

Allele frequency attached by ClinVar (database versions not stated): ESP Exome Variant Server 0.39901; gnomAD 0.44456 and 0.44574; TOPMed 0.45333; gnomAD exomes 0.45383 and 0.47092; 1000 Genomes Project 0.47823; 1000 Genomes Project 30x 0.48017; ExAC 0.53969.
gnomAD v4.1: 723,888 of 1,598,212 alleles (45%); highest among the groups gnomAD compares: East Asian, 58%; 165,366 homozygotes.

Submissions (10):

Labcorp Genetics (formerly Invitae), Labcorp
Classification: Benign for Congenital myotonia, autosomal recessive form; Congenital myotonia, autosomal dominant form. Last evaluated: 2026-02-04. Review status: criteria provided, single submitter. Criteria: Invitae Variant Classification Sherloc (09022015). Collection method: clinical testing. Allele origin: germline.

Women's Health and Genetics/Laboratory Corporation of America, LabCorp
Classification: Benign. Last evaluated: 2025-07-25. Review status: criteria provided, single submitter. Criteria: LabCorp Variant Classification Summary - May 2015. Collection method: clinical testing. Allele origin: germline.

Blueprint Genetics
Classification: Likely benign. Last evaluated: 2024-11-27. Review status: criteria provided, single submitter. Criteria: ACMG Guidelines, 2015. Collection method: clinical testing. Allele origin: germline.

Genome-Nilou Lab
Classification: Benign for Congenital myotonia, autosomal dominant form. Last evaluated: 2021-07-22. Review status: criteria provided, single submitter. Criteria: ACMG Guidelines, 2015. Collection method: clinical testing. Allele origin: germline. Affected: no.

Genome-Nilou Lab
Classification: Benign for Congenital myotonia, autosomal recessive form. Last evaluated: 2021-07-22. Review status: criteria provided, single submitter. Criteria: ACMG Guidelines, 2015. Collection method: clinical testing. Allele origin: germline. Affected: no.

Illumina Laboratory Services, Illumina
Classification: Benign for Myotonia congenita. Last evaluated: 2018-01-12. Review status: criteria provided, single submitter. Criteria: ICSL Variant Classification Criteria 13 December 2019. Collection method: clinical testing. Allele origin: germline.
Comment: This variant was observed in the ICSL laboratory as part of a predisposition screen in an ostensibly healthy population. It had not been previously curated by ICSL or reported in the Human Gene Mutation Database (HGMD: prior to June 1st, 2018), and was therefore a candidate for classification through an automated scoring system. Utilizing variant allele frequency, disease prevalence and penetrance estimates, and inheritance mode, an automated score was calculated to assess if this variant is too frequent to cause the disease. Based on the score and internal cut-off values, a variant classified as benign is not then subjected to further curation. The score for this variant resulted in a classification of benign for this disease.

Mayo Clinic Laboratories, Mayo Clinic
Classification: Benign. Last evaluated: 2017-07-24. Review status: criteria provided, single submitter. Criteria: ACMG Guidelines, 2015. Collection method: clinical testing. Allele origin: germline. Observed: 403 variant alleles.

GeneDx
Classification: Benign. Last evaluated: 2015-03-03. Review status: criteria provided, single submitter. Criteria: GeneDx Variant Classification Process June 2021. Collection method: clinical testing. Allele origin: germline. Affected: yes.

Breakthrough Genomics
Classification: Benign. Review status: criteria provided, single submitter. Criteria: ACMG Guidelines, 2015. Collection method: not provided. Allele origin: germline. Inheritance: Autosomal recessive inheritance. Affected: yes.

Department Of Human Genetics, Institute Of Clinical And Translational Research, Biomedical Research Center, Slovak Academy Of Sciences
Classification: Likely benign for Congenital myotonia, autosomal recessive form; Congenital myotonia, autosomal dominant form. Review status: criteria provided, single submitter. Criteria: ACMG Guidelines, 2015. Collection method: research. Allele origin: germline. Inheritance: Autosomal unknown. Affected: yes. Observed: 25 variant alleles.
Comment: The c.2154C>T (p.(Asp718=)) variant was found in 25 Slovak patients with Myotonia congenita, in 8 and 17 of them in homozygous and heterozygous states, respectively. It is a silent variant, predicted to be benign by multiple in silico algorithms, and/or has a population frequency not consistent with the disease (gnomAD ExomesVersion: 4.0 frequency f = 0.454).